The following is an entry in ClinVar:

ClinVar aggregate classification (germline): Pathogenic (1 of 4 stars; one submission).

Conditions:
Neurodevelopmental disorder with hypotonia, neonatal respiratory insufficiency, and thermodysregulation. Identifiers: MedGen C5394091, MONDO:0032921, OMIM 618797.

Submission:

Institute of Human Genetics, University of Leipzig Medical Center
Classification: Pathogenic for Neurodevelopmental disorder with hypotonia, neonatal respiratory insufficiency, and thermodysregulation. Last evaluated: 2026-04-21. Review status: criteria provided, single submitter. Criteria: ACMG Guidelines, 2015. Collection method: clinical testing. Allele origin: unknown. Inheritance: Autosomal recessive inheritance. Affected: yes.
Comment: Criteria applied: PM2,PM3,PVS1

NM_001346249.2(RALGAPA1):c.5373dup (p.Ser1792fs)

Gene: RALGAPA1 (Ral GTPase activating protein catalytic subunit alpha 1; minus strand). Cytogenetic location: 14q13.2.
Variant type: Duplication.
Coding change: c.5373dup on transcript NM_001346249.2 (MANE Select); coding-DNA position 5373, one base duplicated (C; older notation c.5373dupC).
Protein change: p.Ser1792fs; shifts the reading frame from serine 1792.
Molecular consequence: frameshift variant.
Genome position (GRCh38, 1-based): chr14:35,659,152, G duplicated on the plus strand (C on the coding strand, the reverse complement: RALGAPA1 is on the minus strand); the first of 3 consecutive G bases (chr14:35,659,152-35,659,154); duplicating any one gives the same sequence. VCF-style (leftmost placement, unchanged base first): chr14-35659151-A-AG. GRCh37 (hg19) VCF-style: chr14-36128357-A-AG.
Other names: c.3855dup, p.Ser1286fs (NM_001346246.2, NM_014990.3, NM_194301.4 and 1 more transcripts); c.3996dup, p.Ser1333fs (NM_001346247.2, NM_001283044.3, NM_001346245.2); c.5232dup, p.Ser1745fs (NM_001346248.2, NM_001330075.3); c.3894dup, p.Ser1299fs (NM_001283043.3); short protein forms S1286fs, S1299fs, S1333fs, S1745fs, S1792fs.
Identifiers: ClinVar variation 4857437 (VCV004857437.1).